The following is an entry in ClinVar:

ClinVar aggregate classification (germline): Uncertain significance (1 of 4 stars; one submission).

Submission:

Dasa
Classification: Uncertain significance. Last evaluated: 2026-08-08. Review status: criteria provided, single submitter. Criteria: DASA Assertion Criteria. Collection method: clinical testing. Allele origin: germline.
Comment: NM_000245.4(MET):c.183C>A (p.His61Gln) is a missense variant that results in the substitution of histidine with glutamine. This variant is rare in population databases. Computational prediction algorithms are consistent with a benign effect. The currently available literature and clinical evidence are not sufficient to establish a definitive association between this variant and the reported condition. Therefore, this variant is classified as a variant of uncertain significance.

NM_000245.4(MET):c.183C>A (p.His61Gln)

Gene: MET (MET proto-oncogene, receptor tyrosine kinase; plus strand). Cytogenetic location: 7q31.2.
Variant type: single nucleotide variant.
Coding change: c.183C>A on transcript NM_000245.4 (MANE Select); coding-DNA position 183, C replaced by A.
Protein change: p.His61Gln; replaces histidine 61 with glutamine.
Molecular consequence: missense variant. On other transcripts: intron variant (1).
Genome position (GRCh38, 1-based): chr7:116,699,267, C>A. VCF-style: chr7-116699267-C-A. GRCh37 (hg19) VCF-style: chr7-116339321-C-A.
Other names: c.183C>A, p.His61Gln (NM_001127500.3, NM_001324401.3); c.-91+26690C>A (NM_001324402.2); short protein forms H61Q.
Identifiers: ClinVar variation 5020422 (VCV005020422.1).